The following is an entry in ClinVar:

ClinVar aggregate classification (germline): Likely benign (1 of 4 stars; one submission).

gnomAD v4.1: 98 of 1,612,198 alleles (0.0061%); highest among the groups gnomAD compares: Middle Eastern, 0.016%; no homozygotes.

Submission:

CeGaT Center for Human Genetics Tuebingen
Classification: Likely benign. Last evaluated: 2026-07-01. Review status: criteria provided, single submitter. Criteria: CeGaT Center For Human Genetics Tuebingen Variant Classification Criteria Version 2. Collection method: clinical testing. Allele origin: germline. Affected: yes. Observed: 1 variant allele.
Comment: TET3: BP4, BP7

NM_001287491.2(TET3):c.4482C>T (p.Pro1494=)

Gene: TET3 (tet methylcytosine dioxygenase 3; plus strand). Cytogenetic location: 2p13.1.
Variant type: single nucleotide variant.
Coding change: c.4482C>T on transcript NM_001287491.2 (MANE Select); coding-DNA position 4482, C replaced by T.
Protein change: p.Pro1494=; no amino-acid change (proline 1494 retained).
Molecular consequence: synonymous variant.
Genome position (GRCh38, 1-based): chr2:74,101,270, C>T. VCF-style: chr2-74101270-C-T. GRCh37 (hg19) VCF-style: chr2-74328397-C-T.
Other names: c.4203C>T, p.Pro1401= (NM_001366022.1).
Identifiers: ClinVar variation 5038992 (VCV005038992.1).
Genomic context (GRCh38, chr2:74,101,270, plus strand): 5'-CTTTGGGGCCAGCTGCCTGGCCCCTTCCCACTTCACAGATGGCCAGTGGGGGCTGTTCCC[C>T]GGTGAGGGGCAGCAGGCAGCTTCCCACTCTGGAGGACGGCTGCGAGGCAAACCGTGGAGC-3'
Protein context (NP_001274420.1, residues 1484-1504): HFTDGQWGLF[Pro1494=]GEGQQAASHS